The following is an entry in ClinVar:

ClinVar aggregate classification (germline): Likely pathogenic. Review status: criteria provided, single submitter (1 of 4 stars). 2 submissions from 2 submitters: Likely pathogenic (1). 1 of the submissions does not count toward it. Last evaluated 2025-11-07.

Conditions:
Hyperlipoproteinemia, type I. Also called: Lipoprotein Lipase Deficiency; Lipase D deficiency; Familial Lipoprotein Lipase Deficiency; Hyperlipoproteinemia type 1; Hyperchylomicro-nemia familial; Familial chylomicronemia. Identifiers: Orphanet 309015, Orphanet 444490, MedGen C0023817, MONDO:0009387, OMIM 238600. Disease mechanism: loss of function.

Allele frequency attached by ClinVar (database versions not stated): TOPMed below 0.00001; gnomAD exomes below 0.00001.
gnomAD v4.1: 1 of 1,613,976 alleles (0.000062%); highest among the groups gnomAD compares: Non-Finnish European, 0.000085%; no homozygotes.

Submissions (2):

Women's Health and Genetics/Laboratory Corporation of America, LabCorp
Classification: Likely pathogenic for Hyperlipoproteinemia, type I. Last evaluated: 2025-11-07. Review status: criteria provided, single submitter. Criteria: LabCorp Variant Classification Summary - May 2015. Collection method: clinical testing. Allele origin: germline.
Comment: Variant summary: LPL c.1174C>G (p.Leu392Val) results in a conservative amino acid change in the encoded protein sequence. Algorithms developed to predict the effect of missense changes on protein structure and function are either unavailable or do not agree on the potential impact of this missense change. The variant was absent in 251404 control chromosomes. c.1174C>G has been observed in two homozygous siblings affected with Familial Lipoprotein Lipase Deficiency (Pepe_1994). These data indicate that the variant is likely to be associated with disease. The variant has also been identified in the heterozygous state in individuals with hypertriglyceridemia, but also in unaffected heterozygous individuals (e.g. Pepe_1994, Rabacchi_2015). To our knowledge, no experimental evidence demonstrating an impact on protein function has been reported. The following publications have been ascertained in the context of this evaluation (PMID: 36152419, 8135797, 25966443). ClinVar contains an entry for this variant (Variation ID: 1551). Based on the evidence outlined above, the variant was classified as likely pathogenic for Familial Lipoprotein Lipase Deficiency.

OMIM
Classification: Pathogenic for LIPOPROTEIN LIPASE DEFICIENCY. Last evaluated: 1994-03-15. Review status: no assertion criteria provided. Collection method: literature only. Allele origin: germline. Not counted in ClinVar's aggregate classification.

Literature cited by the submitters: PubMed 25966443 (cited by Women's Health and Genetics/Laboratory Corporation of America, LabCorp); PubMed 36152419 (cited by Women's Health and Genetics/Laboratory Corporation of America, LabCorp); PubMed 8135797 (cited by Women's Health and Genetics/Laboratory Corporation of America, LabCorp and OMIM).

NM_000237.3(LPL):c.1174C>G (p.Leu392Val)

Gene: LPL (lipoprotein lipase; plus strand). Cytogenetic location: 8p21.3.
Variant type: single nucleotide variant.
Coding change: c.1174C>G on transcript NM_000237.3 (MANE Select); coding-DNA position 1174, C replaced by G.
Protein change: p.Leu392Val; replaces leucine 392 with valine.
Molecular consequence: missense variant.
Genome position (GRCh38, 1-based): chr8:19,960,935, C>G. VCF-style: chr8-19960935-C-G. GRCh37 (hg19) VCF-style: chr8-19818446-C-G.
Other names: L365V; short protein forms L392V.
Identifiers: ClinVar variation 1551 (VCV000001551.2), dbSNP rs118204078, ClinGen allele CA251888.